The following is an entry in ClinVar:

ClinVar aggregate classification (germline): Pathogenic (1 of 4 stars; one submission).

Submission:

GeneDx
Classification: Pathogenic. Last evaluated: 2014-06-04. Review status: criteria provided, single submitter. Criteria: GeneDx Variant Classification (06012015). Collection method: clinical testing. Allele origin: germline. Affected: yes.
Comment: The E181A variant has not been published as a mutation, nor has it been reported as a benign polymorphism to our knowledge. It was not observed in approximately 6,500 individuals of European and African American ancestry in the NHLBI Exome Sequencing Project, indicating it is not a common benign variant in these populations. The E181A variant is a non-conservative amino acid substitution, which is likely to impact secondary protein structure as these residues differ in polarity, charge, size and/or other properties. This substitution alters a highly conserved position in the protein kinase domain of the CDKL5 protein, and multiple missense mutations in nearby residues have been reported in association with CDKL5-related disorders, supporting the functional importance of this region of the protein. In silico analysis predicts this variant is probably damaging to the protein structure/function. This variant has been observed de novo without verified parentage. The variant is found in INFANT-EPI panel(s).

NM_001323289.2(CDKL5):c.542A>C (p.Glu181Ala)

Gene: CDKL5 (cyclin dependent kinase like 5; plus strand). Cytogenetic location: Xp22.13.
Variant type: single nucleotide variant.
Coding change: c.542A>C on transcript NM_001323289.2 (MANE Select); coding-DNA position 542, A replaced by C.
Protein change: p.Glu181Ala; replaces glutamic acid 181 with alanine.
Molecular consequence: missense variant.
Genome position (GRCh38, 1-based): chrX:18,584,341, A>C. VCF-style: chrX-18584341-A-C. GRCh37 (hg19) VCF-style: chrX-18602461-A-C.
Other names: p.E181A:GAA>GCA; c.542A>C, p.Glu181Ala (NM_001037343.2, NM_003159.3); short protein forms E181A.
Identifiers: ClinVar variation 156604 (VCV000156604.2), dbSNP rs587783085, ClinGen allele CA294604.